The following is an entry in ClinVar:

ClinVar aggregate classification (germline): Uncertain significance (1 of 4 stars; one submission).

Conditions:
Congenital insensitivity to pain-hypohidrosis syndrome. Also called: HSAN VIII; Neuropathy, hereditary sensory and autonomic, type VIII. Identifiers: Orphanet 478664, MedGen C4225308, MONDO:0014662, OMIM 616488.

Allele frequency attached by ClinVar (database versions not stated): gnomAD 0.00001.
gnomAD v4.1: 1 of 1,614,030 alleles (0.000062%); highest among the groups gnomAD compares: Non-Finnish European, 0.000085%; no homozygotes.

Submission:

Labcorp Genetics (formerly Invitae), Labcorp
Classification: Uncertain significance for Congenital insensitivity to pain-hypohidrosis syndrome. Last evaluated: 2021-11-08. Review status: criteria provided, single submitter. Criteria: Invitae Variant Classification Sherloc (09022015). Collection method: clinical testing. Allele origin: germline.
Comment: This sequence change replaces asparagine, which is neutral and polar, with lysine, which is basic and polar, at codon 174 of the PRDM12 protein (p.Asn174Lys). This variant is present in population databases (no rsID available, gnomAD 0.007%). This variant has not been reported in the literature in individuals affected with PRDM12-related conditions. Algorithms developed to predict the effect of missense changes on protein structure and function are either unavailable or do not agree on the potential impact of this missense change (SIFT: "Deleterious"; PolyPhen-2: "Probably Damaging"; Align-GVGD: "Class C0"). In summary, the available evidence is currently insufficient to determine the role of this variant in disease. Therefore, it has been classified as a Variant of Uncertain Significance.

NM_021619.3(PRDM12):c.522C>A (p.Asn174Lys)

Gene: PRDM12 (PR/SET domain 12; plus strand). Cytogenetic location: 9q34.12.
Variant type: single nucleotide variant.
Coding change: c.522C>A on transcript NM_021619.3 (MANE Select); coding-DNA position 522, C replaced by A.
Protein change: p.Asn174Lys; replaces asparagine 174 with lysine.
Molecular consequence: missense variant.
Genome position (GRCh38, 1-based): chr9:130,668,265, C>A. VCF-style: chr9-130668265-C-A. GRCh37 (hg19) VCF-style: chr9-133543652-C-A.
Other names: short protein forms N174K.
Identifiers: ClinVar variation 1486352 (VCV001486352.6), dbSNP rs1162256150, ClinGen allele CA375247135.